The following is an entry in ClinVar:

NM_000512.5(GALNS):c.1214G>A (p.Trp405Ter)

Gene: GALNS (galactosamine (N-acetyl)-6-sulfatase; minus strand). Cytogenetic location: 16q24.3.
Variant type: single nucleotide variant.
Coding change: c.1214G>A on transcript NM_000512.5 (MANE Select); coding-DNA position 1214, G replaced by A.
Protein change: p.Trp405Ter; replaces tryptophan 405 with a stop codon.
Molecular consequence: nonsense.
Genome position (GRCh38, 1-based): chr16:88,824,795, C>T on the plus strand (G>A on the coding strand, the complement: GALNS is on the minus strand). VCF-style: chr16-88824795-C-T. GRCh37 (hg19) VCF-style: chr16-88891203-C-T.
Other names: c.659G>A, p.Trp220Ter (NM_001323543.2); c.1232G>A, p.Trp411Ter (NM_001323544.2); short protein forms W220*, W405*, W411*.
Identifiers: ClinVar variation 1048346 (VCV001048346.3), dbSNP rs2142993795, ClinGen allele CA397097520.

ClinVar aggregate classification (germline): Likely pathogenic (1 of 4 stars; one submission).

Conditions:
Mucopolysaccharidosis, MPS-IV-A (MPS4A). Also called: Mucopolysaccharidosis type IV A; Mucopolysaccharidosis Type IVA; Morquio syndrome A, mild; MORQUIO SYNDROME A; MPS IVA; mucopolysaccharidosis type 4A. Identifiers: Orphanet 309297, Orphanet 582, MedGen C0086651, MONDO:0009659, OMIM 253000.

Submission:

Laboratory of Diagnosis and Therapy of Lysosomal Disorders, University of Padova
Classification: Likely pathogenic for Mucopolysaccharidosis, MPS-IV-A. Last evaluated: 2021-02-01. Review status: criteria provided, single submitter. Criteria: ACMG Guidelines, 2015. Collection method: curation. Allele origin: germline. Affected: yes.
Comment: Nonsense variant (PVS1_very strong); absent from gnomAD v2.1.1 (PM2_moderate)

Literature cited by the submitters: PubMed 24120057; PubMed 34387910.